The following is an entry in ClinVar:

NM_003640.5(ELP1):c.3347-15A>G

Gene: ELP1 (elongator acetyltransferase complex subunit 1; minus strand). Cytogenetic location: 9q31.3.
Variant type: single nucleotide variant.
Coding change: c.3347-15A>G on transcript NM_003640.5 (MANE Select); 15 bases into the intron before coding-DNA position 3347, A replaced by G.
Molecular consequence: intron variant.
Genome position (GRCh38, 1-based): chr9:108,880,180, T>C on the plus strand (A>G on the coding strand, the complement: ELP1 is on the minus strand). VCF-style: chr9-108880180-T-C. GRCh37 (hg19) VCF-style: chr9-111642460-T-C.
Other names: c.3347-15A>G (LRG_251t1); c.3005-15A>G (NM_001318360.2); c.2300-15A>G (NM_001330749.2).
Identifiers: ClinVar variation 380135 (VCV000380135.16), dbSNP rs200154542, ClinGen allele CA5174326.
Genomic context (GRCh38, chr9:108,880,180, plus strand): 5'-AATGTGGCTGTCTGAGAGTCCAGAAATGCCATATAATTTTTCTGGGCTGGAGATGCAGAA[T>C]GGAAAATAGTTTGAGCATGAGGTTTAAGCAAAGAGAAAAAACTAAAGGCGGGGAGCAGTG-3'

ClinVar aggregate classification (germline): Conflicting classifications of pathogenicity. Review status: criteria provided, conflicting classifications (1 of 4 stars). 7 submissions from 7 submitters: Uncertain significance (1); Benign (1); Likely benign (2). 3 of the submissions do not count toward it. Last evaluated 2026-01-28.

Conditions:
Familial dysautonomia. Also called: FD; HSAN III. Identifiers: Orphanet 1764, MedGen C0013364, MONDO:0009131, OMIM 223900. Disease mechanism: loss of function.

Allele frequency attached by ClinVar (database versions not stated): ESP Exome Variant Server 0.00069; gnomAD 0.00073 and 0.00080; 1000 Genomes Project 30x 0.00094; TOPMed 0.00096; 1000 Genomes Project 0.00100; ExAC 0.00108; gnomAD exomes 0.00115.
gnomAD v4.1: 1,237 of 1,527,874 alleles (0.081%); highest among the groups gnomAD compares: Middle Eastern, 0.62%; 3 homozygotes.

Submissions (7):

Labcorp Genetics (formerly Invitae), Labcorp
Classification: Benign. Last evaluated: 2026-01-28. Review status: criteria provided, single submitter. Criteria: Invitae Variant Classification Sherloc (09022015). Collection method: clinical testing. Allele origin: germline.

Blueprint Genetics
Classification: Likely benign. Last evaluated: 2024-11-14. Review status: criteria provided, single submitter. Criteria: ACMG Guidelines, 2015. Collection method: clinical testing. Allele origin: germline.

GeneDx
Classification: Likely benign. Last evaluated: 2018-01-22. Review status: criteria provided, single submitter. Criteria: GeneDx Variant Classification (06012015). Collection method: clinical testing. Allele origin: germline. Affected: yes.
Comment: This variant is considered likely benign or benign based on one or more of the following criteria: it is a conservative change, it occurs at a poorly conserved position in the protein, it is predicted to be benign by multiple in silico algorithms, and/or has population frequency not consistent with disease.

Illumina Laboratory Services, Illumina
Classification: Uncertain significance for Familial dysautonomia. Last evaluated: 2018-01-13. Review status: criteria provided, single submitter. Criteria: ICSL Variant Classification Criteria 13 December 2019. Collection method: clinical testing. Allele origin: germline.

Natera, Inc.
Classification: Likely benign for Familial dysautonomia. Last evaluated: 2020-09-16. Review status: no assertion criteria provided. Collection method: clinical testing. Allele origin: germline. Not counted in ClinVar's aggregate classification.

Clinical Genetics, Academic Medical Center
Classification: Likely benign. Review status: no assertion criteria provided. Collection method: clinical testing. Allele origin: germline. Affected: yes. Study: VKGL Data-share Consensus. Not counted in ClinVar's aggregate classification.

Genome Diagnostics Laboratory, University Medical Center Utrecht
Classification: Likely benign. Review status: no assertion criteria provided. Collection method: clinical testing. Allele origin: germline. Affected: yes. Study: VKGL Data-share Consensus. Not counted in ClinVar's aggregate classification.